The following is an entry in ClinVar:

NM_001365951.3(KIF1B):c.3058C>T (p.Pro1020Ser)

Gene: KIF1B (kinesin family member 1B; plus strand). Cytogenetic location: 1p36.22.
Variant type: single nucleotide variant.
Coding change: c.3058C>T on transcript NM_001365951.3 (MANE Select); coding-DNA position 3058, C replaced by T.
Protein change: p.Pro1020Ser; replaces proline 1020 with serine.
Molecular consequence: missense variant.
Genome position (GRCh38, 1-based): chr1:10,336,671, C>T. VCF-style: chr1-10336671-C-T. GRCh37 (hg19) VCF-style: chr1-10396729-C-T.
Other names: c.3058C>T, p.Pro1020Ser (NM_001365952.1); c.2920C>T, p.Pro974Ser (NM_015074.3); short protein forms P974S, P1020S.
Identifiers: ClinVar variation 2497114 (VCV002497114.2), dbSNP rs2521715444, ClinGen allele CA338339284.

ClinVar aggregate classification (germline): Uncertain significance (1 of 4 stars; one submission).

Allele frequency attached by ClinVar (database versions not stated): gnomAD exomes below 0.00001.
gnomAD v4.1: 1 of 1,613,848 alleles (0.000062%); highest among the groups gnomAD compares: Non-Finnish European, 0.000085%; no homozygotes.

Submission:

Ambry Genetics
Classification: Uncertain significance. Last evaluated: 2023-01-31. Review status: criteria provided, single submitter. Criteria: Ambry Variant Classification Scheme 2023. Collection method: clinical testing. Allele origin: germline.
Comment: The p.P974S variant (also known as c.2920C>T), located in coding exon 26 of the KIF1B gene, results from a C to T substitution at nucleotide position 2920. The proline at codon 974 is replaced by serine, an amino acid with similar properties. This amino acid position is conserved. In addition, the in silico prediction for this alteration is inconclusive. Since supporting evidence is limited at this time, the clinical significance of this alteration remains unclear.